The following is an entry in ClinVar:

NC_000001.10:g.(45341368_45345489)_(45347412_45363026)del

Gene: EIF2B3 (eukaryotic translation initiation factor 2B subunit gamma; minus strand). Cytogenetic location: 1p34.1.
Variant type: Deletion.
Identifiers: ClinVar variation 4526220 (VCV004526220.1).

ClinVar aggregate classification (germline): Uncertain significance (1 of 4 stars; one submission).

Submission:

Women's Health and Genetics/Laboratory Corporation of America, LabCorp
Classification: Uncertain significance. Last evaluated: 2025-07-31. Review status: criteria provided, single submitter. Criteria: LabCorp Variant Classification Summary - May 2015. Collection method: clinical testing. Allele origin: germline.
Comment: Variant summary: The variant involves the deletion of exons 7 and 8 in the EIF2B3 gene. A presumed nomenclature of c.(656+1_657-1)_(975+1_976-1)del has been designated for the purposes of this classification. This Copy Number Variant (CNV) is expected to alter the reading frame and predicted to result in a truncation or absence of the encoded protein due to nonsense mediated decay (NMD). However, current available evidence is not enough to established loss of function as the disease mechanism for this gene. The variant was absent in 21518 control chromosomes. To our knowledge, no occurrence of c.(656+1_657-1)_(975+1_976-1)del in individuals affected with Leukoencephalopathy With Vanishing White Matter and no experimental evidence demonstrating its impact on protein function have been reported. No submitters have cited clinical-significance assessments for this variant to ClinVar. Based on the evidence outlined above, the variant was classified as uncertain significance.